The following is an entry in ClinVar:

NM_004055.5(CAPN5):c.1654G>T (p.Ala552Ser)

Gene: CAPN5 (calpain 5; plus strand). Cytogenetic location: 11q13.5.
Variant type: single nucleotide variant.
Coding change: c.1654G>T on transcript NM_004055.5 (MANE Select); coding-DNA position 1654, G replaced by T.
Protein change: p.Ala552Ser; replaces alanine 552 with serine.
Molecular consequence: missense variant.
Genome position (GRCh38, 1-based): chr11:77,122,626, G>T. VCF-style: chr11-77122626-G-T. GRCh37 (hg19) VCF-style: chr11-76833672-G-T.
Other names: short protein forms A552S.
Identifiers: ClinVar variation 963517 (VCV000963517.11), dbSNP rs1950533642, ClinGen allele CA381944450.

ClinVar aggregate classification (germline): Uncertain significance. Review status: criteria provided, multiple submitters, no conflicts (2 of 4 stars). 3 submissions from 3 submitters: Uncertain significance (3). Last evaluated 2025-08-14.

Conditions:
Inborn genetic diseases. Identifiers: MedGen C0950123, MeSH D030342.

Allele frequency attached by ClinVar (database versions not stated): TOPMed below 0.00001; gnomAD exomes 0.00001.
gnomAD v4.1: 4 of 1,613,824 alleles (0.00025%); highest among the groups gnomAD compares: Middle Eastern, 0.05%; no homozygotes.

Submissions (3):

Ambry Genetics
Classification: Uncertain significance for Inborn genetic diseases. Last evaluated: 2025-08-14. Review status: criteria provided, single submitter. Criteria: Ambry Variant Classification Scheme 2023. Collection method: clinical testing. Allele origin: germline.

Labcorp Genetics (formerly Invitae), Labcorp
Classification: Uncertain significance. Last evaluated: 2025-04-19. Review status: criteria provided, single submitter. Criteria: Invitae Variant Classification Sherloc (09022015). Collection method: clinical testing. Allele origin: germline.
Comment: This sequence change replaces alanine, which is neutral and non-polar, with serine, which is neutral and polar, at codon 552 of the CAPN5 protein (p.Ala552Ser). This variant is not present in population databases (gnomAD no frequency). This variant has not been reported in the literature in individuals affected with CAPN5-related conditions. ClinVar contains an entry for this variant (Variation ID: 963517). An algorithm developed to predict the effect of missense changes on protein structure and function (PolyPhen-2) suggests that this variant is likely to be tolerated. In summary, the available evidence is currently insufficient to determine the role of this variant in disease. Therefore, it has been classified as a Variant of Uncertain Significance.

Blueprint Genetics
Classification: Uncertain significance. Last evaluated: 2021-04-12. Review status: criteria provided, single submitter. Criteria: ACMG Guidelines, 2015. Collection method: clinical testing. Allele origin: germline.